The following is an entry in ClinVar:

ClinVar aggregate classification (germline): Likely benign (1 of 4 stars; one submission).

Conditions:
IFT172-related disorder. Also called: IFT172-related disorders; IFT172-related condition.

gnomAD v4.1: 3 of 1,564,192 alleles (0.00019%); highest among the groups gnomAD compares: Non-Finnish European, 0.00026%; no homozygotes.

Submission:

PreventionGenetics, part of Exact Sciences
Classification: Likely benign for IFT172-related condition. Last evaluated: 2025-10-08. Review status: criteria provided, single submitter. Criteria: ACMG Guidelines, 2015. Collection method: clinical testing. Allele origin: germline.
Comment: This variant is classified as likely benign based on ACMG/AMP sequence variant interpretation guidelines (Richards et al. 2015 PMID: 25741868, with internal and published modifications).

NM_015662.3(IFT172):c.4051-24C>G

Gene: IFT172 (intraflagellar transport 172; minus strand). Cytogenetic location: 2p23.3.
Variant type: single nucleotide variant.
Coding change: c.4051-24C>G on transcript NM_015662.3 (MANE Select); 24 bases into the intron before coding-DNA position 4051, C replaced by G.
Molecular consequence: intron variant.
Genome position (GRCh38, 1-based): chr2:27,449,824, G>C on the plus strand (C>G on the coding strand, the complement: IFT172 is on the minus strand). VCF-style: chr2-27449824-G-C. GRCh37 (hg19) VCF-style: chr2-27672691-G-C.
Other names: c.3985-24C>G (NM_001410739.1).
Identifiers: ClinVar variation 4996604 (VCV004996604.1).